The following is an entry in ClinVar:

ClinVar aggregate classification (germline): Uncertain significance (1 of 4 stars; one submission).

Allele frequency attached by ClinVar (database versions not stated): TOPMed below 0.00001 and 0.00001; gnomAD 0.00001.
gnomAD v4.1: 1 of 1,614,056 alleles (0.000062%); highest among the groups gnomAD compares: East Asian, 0.0022%; no homozygotes.

Submission:

GeneDx
Classification: Uncertain significance. Last evaluated: 2017-02-24. Review status: criteria provided, single submitter. Criteria: GeneDx Variant Classification (06012015). Collection method: clinical testing. Allele origin: germline. Affected: yes.
Comment: The M523K variant in the RARS gene has not been reported previously as a pathogenic variant, nor as a benign variant, to our knowledge. The M523K variant is not observed in large population cohorts (Lek et al., 2016; 1000 Genomes Consortium et al., 2015; Exome Variant Server). The M523K variant is a non-conservative amino acid substitution, which is likely to impact secondary protein structure as these residues differ in polarity, charge, size and/or other properties. This substitution occurs at a position [that is conserved across species. In silico analysis predicts this variant is probably damaging to the protein structure/function. We interpret M523K as a variant of uncertain significance.

NM_002887.4(RARS1):c.1568T>A (p.Met523Lys)

Gene: RARS1 (arginyl-tRNA synthetase 1; plus strand). Cytogenetic location: 5q34.
Variant type: single nucleotide variant.
Coding change: c.1568T>A on transcript NM_002887.4 (MANE Select); coding-DNA position 1568, T replaced by A.
Protein change: p.Met523Lys; replaces methionine 523 with lysine.
Molecular consequence: missense variant.
Genome position (GRCh38, 1-based): chr5:168,516,893, T>A. VCF-style: chr5-168516893-T-A. GRCh37 (hg19) VCF-style: chr5-167943898-T-A.
Other names: short protein forms M523K.
Identifiers: ClinVar variation 423666 (VCV000423666.2), dbSNP rs1064796563, ClinGen allele CA16618164.